The following is an entry in ClinVar:

ClinVar aggregate classification (germline): Pathogenic/Likely pathogenic. Review status: criteria provided, multiple submitters, no conflicts (2 of 4 stars). 3 submissions from 3 submitters: Pathogenic (1); Likely pathogenic (2). Last evaluated 2025-01-02.

Conditions:
Zellweger spectrum disorders (ZS). Also called: Zellweger Spectrum Disorder (ZSD); Zellweger syndrome; Zellweger Spectrum Disorder; Zellweger Spectrum. Identifiers: Orphanet 912, MedGen C0043459, MONDO:0019609.
Peroxisome biogenesis disorder, complementation group 7 (CG7). Also called: Peroxisome biogenesis disorder, complementation group B. Identifiers: MedGen C1864399.
Peroxisome biogenesis disorder 6A (Zellweger). Also called: Peroxisome biogenesis disorder 6A. Identifiers: Orphanet 912, MedGen C3553947, MONDO:0013936, OMIM 614870.

Allele frequency attached by ClinVar (database versions not stated): gnomAD exomes below 0.00001.
gnomAD v4.1: 1 of 1,613,072 alleles (0.000062%); highest among the groups gnomAD compares: Admixed American, 0.0017%; no homozygotes.

Submissions (3):

Natera, Inc.
Classification: Likely pathogenic for Zellweger syndrome. Last evaluated: 2025-01-02. Review status: criteria provided, single submitter. Criteria: Natera Variant Classification Schema (03/2026). Collection method: clinical testing. Allele origin: germline.
Comment: The c.942G>A variant in PEX10 is a nonsense variant predicted to introduce a stop codon at amino acid 314. This variant is expected to result in nonsense mediated decay, truncation, or a dysfunctional protein product. This variant is rare in the general population with a frequency below the threshold expected for the associated phenotype(s). Given the available evidence, this variant is classified as Likely Pathogenic.

Labcorp Genetics (formerly Invitae), Labcorp
Classification: Pathogenic for Peroxisome biogenesis disorder, complementation group 7. Last evaluated: 2024-03-28. Review status: criteria provided, single submitter. Criteria: Invitae Variant Classification Sherloc (09022015). Collection method: clinical testing. Allele origin: germline.
Comment: This sequence change creates a premature translational stop signal (p.Trp314*) in the PEX10 gene. While this is not anticipated to result in nonsense mediated decay, it is expected to disrupt the last 33 amino acid(s) of the PEX10 protein. This variant is not present in population databases (gnomAD no frequency). This premature translational stop signal has been observed in individual(s) with Zellweger syndrome (PMID: 17041890). This variant disrupts a region of the PEX10 protein in which other variant(s) (p.Arg331Gln) have been determined to be pathogenic (PMID: 20695019, 27230853). This suggests that this is a clinically significant region of the protein, and that variants that disrupt it are likely to be disease-causing. For these reasons, this variant has been classified as Pathogenic.

Baylor Genetics
Classification: Likely pathogenic for Peroxisome biogenesis disorder 6A (Zellweger). Last evaluated: 2024-03-27. Review status: criteria provided, single submitter. Criteria: ACMG Guidelines, 2015. Collection method: clinical testing. Allele origin: unknown.

Literature cited by the submitters: PubMed 17041890 (cited by Labcorp Genetics (formerly Invitae), Labcorp); PubMed 20695019 (cited by Labcorp Genetics (formerly Invitae), Labcorp); PubMed 27230853 (cited by Labcorp Genetics (formerly Invitae), Labcorp).

NM_002617.4(PEX10):c.882G>A (p.Trp294Ter)

Gene: PEX10 (peroxisomal biogenesis factor 10; minus strand). Cytogenetic location: 1p36.32.
Variant type: single nucleotide variant.
Coding change: c.882G>A on transcript NM_002617.4 (MANE Select); coding-DNA position 882, G replaced by A.
Protein change: p.Trp294Ter; replaces tryptophan 294 with a stop codon.
Molecular consequence: nonsense. On other transcripts: non-coding transcript variant (1).
Genome position (GRCh38, 1-based): chr1:2,406,514, C>T on the plus strand (G>A on the coding strand, the complement: PEX10 is on the minus strand). VCF-style: chr1-2406514-C-T. GRCh37 (hg19) VCF-style: chr1-2337953-C-T.
Other names: c.450G>A, p.Trp150Ter (NM_001374427.1); c.942G>A, p.Trp314Ter (NM_153818.2); c.939G>A, p.Trp313Ter (NM_001374425.1); c.507G>A, p.Trp169Ter (NM_001374426.1); c.942G>A (NM_153818.1); short protein forms W150*, W169*, W294*, W313*, W314*.
Identifiers: ClinVar variation 3240081 (VCV003240081.4), dbSNP rs2522256455.